The following is an entry in ClinVar:

NM_006393.3(NEBL):c.1431_1437del (p.Ala477_Ala478insTer)

Gene: NEBL (nebulette; minus strand). Cytogenetic location: 10p12.31.
Variant type: Deletion.
Coding change: c.1431_1437del on transcript NM_006393.3 (MANE Select); coding-DNA positions 1431 to 1437, 7 bases deleted (TGCAGAG; older notation c.1431_1437delTGCAGAG).
Protein change: p.Ala477_Ala478insTer.
Molecular consequence: frameshift variant. On other transcripts: intron variant (9).
Genome position (GRCh38, 1-based): chr10:20,835,525-20,835,531, CTCTGCA deleted on the plus strand (TGCAGAG on the coding strand, the reverse complement: NEBL is on the minus strand). VCF-style (leftmost placement, unchanged base first): chr10-20835524-TCTCTGCA-T. GRCh37 (hg19) VCF-style: chr10-21124453-TCTCTGCA-T.
Other names: c.250-22591_250-22585del (NM_001377326.1, NM_001377327.1, NM_001377328.1); c.358-22591_358-22585del (NM_213569.2, NM_001173484.2, NM_001377322.1); c.301-22591_301-22585del (NM_001377324.1); c.292-22591_292-22585del (NM_001377325.1); c.310-22591_310-22585del (NM_001377323.1).
Identifiers: ClinVar variation 2036313 (VCV002036313.4), dbSNP rs2491827389, ClinGen allele CA2580081385.

ClinVar aggregate classification (germline): Uncertain significance (1 of 4 stars; one submission).

Conditions:
Primary dilated cardiomyopathy (DCM). Also called: Dilated Cardiomyopathy. Identifiers: Orphanet 217604, MedGen C0007193, MeSH D002311, MONDO:0005021, HP:0001644. Inheritance: Various modes of inheritance.

Allele frequency attached by ClinVar (database versions not stated): gnomAD exomes below 0.00001.

Submission:

Labcorp Genetics (formerly Invitae), Labcorp
Classification: Uncertain significance for Primary dilated cardiomyopathy. Last evaluated: 2025-12-04. Review status: criteria provided, single submitter. Criteria: Invitae Variant Classification Sherloc (09022015). Collection method: clinical testing. Allele origin: germline.
Comment: This sequence change creates a premature translational stop signal (p.Ala478*) in the NEBL gene. It is expected to result in an absent or disrupted protein product. However, the current clinical and genetic evidence is not sufficient to establish whether loss-of-function variants in NEBL cause disease. This variant is not present in population databases (gnomAD no frequency). This variant has not been reported in the literature in individuals affected with NEBL-related conditions. ClinVar contains an entry for this variant (Variation ID: 2036313). In summary, the available evidence is currently insufficient to determine the role of this variant in disease. Therefore, it has been classified as a Variant of Uncertain Significance.